The following is an entry in ClinVar:

ClinVar aggregate classification (germline): Pathogenic/Likely pathogenic. Review status: criteria provided, multiple submitters, no conflicts (2 of 4 stars). 2 submissions from 2 submitters: Pathogenic (1); Likely pathogenic (1). Last evaluated 2022-11-07.

Conditions:
DPAGT1-congenital disorder of glycosylation. Also called: DPAGT1-CDG; CDG Ij; CONGENITAL DISORDER OF GLYCOSYLATION, TYPE Ij. Identifiers: Orphanet 86309, MedGen C2931004, MONDO:0011964, OMIM 608093.
Congenital myasthenic syndrome 13 (CMS13). Also called: Myasthenic syndrome, congenital, 13, with tubular aggregates; Myasthenic syndrome, congenital, with tubular aggregates 2. Identifiers: Orphanet 353327, Orphanet 590, MedGen C3553645, MONDO:0013883, OMIM 614750.

Allele frequency attached by ClinVar (database versions not stated): gnomAD 0.00001; TOPMed 0.00002.

Submissions (2):

Labcorp Genetics (formerly Invitae), Labcorp
Classification: Pathogenic for Congenital myasthenic syndrome 13; DPAGT1-congenital disorder of glycosylation. Last evaluated: 2022-11-07. Review status: criteria provided, single submitter. Criteria: Invitae Variant Classification Sherloc (09022015). Collection method: clinical testing. Allele origin: germline.
Comment: This variant is not present in population databases (gnomAD no frequency). This sequence change affects the initiator methionine of the DPAGT1 mRNA. The next in-frame methionine is located at codon 9. Disruption of the initiator codon has been observed in individual(s) with clinical features of DPAGT1-related conditions (PMID: 24759841, 30117111; Invitae). In at least one individual the data is consistent with being in trans (on the opposite chromosome) from a pathogenic variant. For these reasons, this variant has been classified as Pathogenic. ClinVar contains an entry for this variant (Variation ID: 381709).

GeneDx
Classification: Likely pathogenic. Last evaluated: 2021-03-05. Review status: criteria provided, single submitter. Criteria: GeneDx Variant Classification Process June 2021. Collection method: clinical testing. Allele origin: germline. Affected: yes.
Comment: Not observed in large population cohorts (Lek et al., 2016); This variant is associated with the following publications: (PMID: 24759841)

Literature cited by the submitters: PubMed 24759841 (cited by Labcorp Genetics (formerly Invitae), Labcorp); PubMed 30117111 (cited by Labcorp Genetics (formerly Invitae), Labcorp).

NM_001382.4(DPAGT1):c.1A>C (p.Met1Leu)

Genes: DPAGT1 (dolichyl-phosphate N-acetylglucosaminephosphotransferase 1; minus strand), LOC126861360 (BRD4-independent group 4 enhancer GRCh37_chr11:118972216-118973415; plus strand). Cytogenetic location: 11q23.3.
Variant type: single nucleotide variant.
Coding change: c.1A>C on transcript NM_001382.4 (MANE Select); coding-DNA position 1, A replaced by C.
Protein change: p.Met1Leu; changes the start codon (methionine 1).
Molecular consequence: missense variant, initiator codon variant.
Genome position (GRCh38, 1-based): chr11:119,101,655, T>G on the plus strand (A>C on the coding strand, the complement: DPAGT1 is on the minus strand). VCF-style: chr11-119101655-T-G. GRCh37 (hg19) VCF-style: chr11-118972365-T-G.
Other names: short protein forms M1L.
Identifiers: ClinVar variation 381709 (VCV000381709.13), dbSNP rs1057521151, ClinGen allele CA16606252.